The following is an entry in ClinVar:

NM_003024.3(ITSN1):c.1943A>C (p.Glu648Ala)

Gene: ITSN1 (intersectin 1; plus strand). Cytogenetic location: 21q22.11.
Variant type: single nucleotide variant.
Coding change: c.1943A>C on transcript NM_003024.3 (MANE Select); coding-DNA position 1943, A replaced by C.
Protein change: p.Glu648Ala; replaces glutamic acid 648 with alanine.
Molecular consequence: missense variant.
Genome position (GRCh38, 1-based): chr21:33,794,459, A>C. VCF-style: chr21-33794459-A-C. GRCh37 (hg19) VCF-style: chr21-35166763-A-C.
Other names: c.1943A>C, p.Glu648Ala (NM_001001132.2, NM_001331008.2, NM_001331009.2 and 2 more transcripts); c.1832A>C, p.Glu611Ala (NM_001331012.2); short protein forms E611A, E648A.
Identifiers: ClinVar variation 3718650 (VCV003718650.2).
Genomic context (GRCh38, chr21:33,794,459, plus strand): 5'-AACGACTGAAACAGAAAGAACAAGAACGAAAGATCATAGAATTAGAAAAACAAAAAGAAG[A>C]AGCCCAAAGGTGAGTCTTCTTTGGATTGTGGACTCATCTGGAAGGAACTTTGAGGATTTA-3'
Protein context (NP_003015.2, residues 638-658): KIIELEKQKE[Glu648Ala]AQRRAQERDK

ClinVar aggregate classification (germline): Uncertain significance (1 of 4 stars; one submission).

Submission:

Labcorp Genetics (formerly Invitae), Labcorp
Classification: Uncertain significance. Last evaluated: 2024-07-08. Review status: criteria provided, single submitter. Criteria: Invitae Variant Classification Sherloc (09022015). Collection method: clinical testing. Allele origin: germline.
Comment: This sequence change replaces glutamic acid, which is acidic and polar, with alanine, which is neutral and non-polar, at codon 648 of the ITSN1 protein (p.Glu648Ala). This variant is not present in population databases (gnomAD no frequency). This variant has not been reported in the literature in individuals affected with ITSN1-related conditions. An algorithm developed to predict the effect of missense changes on protein structure and function (PolyPhen-2) suggests that this variant is likely to be tolerated. In summary, the available evidence is currently insufficient to determine the role of this variant in disease. Therefore, it has been classified as a Variant of Uncertain Significance.